The following is an entry in ClinVar:

ClinVar aggregate classification (germline): Likely benign (1 of 4 stars; one submission).

Conditions:
SLCO1B3-related disorder. Also called: SLCO1B3-related condition.

gnomAD v4.1: 2 of 1,610,108 alleles (0.00012%); highest among the groups gnomAD compares: Admixed American, 0.0034%; no homozygotes.

Submission:

PreventionGenetics, part of Exact Sciences
Classification: Likely benign for SLCO1B3-related condition. Last evaluated: 2025-04-23. Review status: criteria provided, single submitter. Criteria: ACMG Guidelines, 2015. Collection method: clinical testing. Allele origin: germline.
Comment: This variant is classified as likely benign based on ACMG/AMP sequence variant interpretation guidelines (Richards et al. 2015 PMID: 25741868, with internal and published modifications).

NM_019844.4(SLCO1B3):c.*2A>G

Genes: SLCO1B3 (solute carrier organic anion transporter family member 1B3; plus strand), SLCO1B3-SLCO1B7 (SLCO1B3-SLCO1B7 readthrough; plus strand). Cytogenetic location: 12p12.2.
Variant type: single nucleotide variant.
Coding change: c.*2A>G on transcript NM_019844.4 (MANE Select); 2 bases downstream of the stop codon, A replaced by G.
Molecular consequence: 3 prime UTR variant. On other transcripts: intron variant (1).
Genome position (GRCh38, 1-based): chr12:20,916,249, A>G. VCF-style: chr12-20916249-A-G. GRCh37 (hg19) VCF-style: chr12-21069183-A-G.
Other names: c.*2A>G (NM_001349920.2); c.1865+14782A>G (NM_001371097.1).
Identifiers: ClinVar variation 4979406 (VCV004979406.1).